The following is an entry in ClinVar:

NM_003235.5(TG):c.7400C>T (p.Thr2467Ile)

Genes: SLA (Src like adaptor; minus strand), TG (thyroglobulin; plus strand). Cytogenetic location: 8q24.22.
Variant type: single nucleotide variant.
Coding change: c.7400C>T on transcript NM_003235.5 (MANE Select); coding-DNA position 7400, C replaced by T.
Protein change: p.Thr2467Ile; replaces threonine 2467 with isoleucine.
Molecular consequence: missense variant. On other transcripts: intron variant (4).
Genome position (GRCh38, 1-based): chr8:133,095,204, C>T. VCF-style: chr8-133095204-C-T. GRCh37 (hg19) VCF-style: chr8-134107448-C-T.
Other names: c.-264+7349G>A (NM_001282965.2); c.11+7349G>A (NM_001282964.2, NM_001045557.3); c.-319+7349G>A (NM_001045556.3); short protein forms T2467I.
Identifiers: ClinVar variation 1318772 (VCV001318772.2), dbSNP rs2131636638, ClinGen allele CA372244590.

ClinVar aggregate classification (germline): Uncertain significance (1 of 4 stars; one submission).

Allele frequency attached by ClinVar (database versions not stated): gnomAD exomes below 0.00001.
gnomAD v4.1: 2 of 1,614,212 alleles (0.00012%); highest among the groups gnomAD compares: East Asian, 0.0022%; no homozygotes.

Submission:

GeneDx
Classification: Uncertain significance. Last evaluated: 2019-08-26. Review status: criteria provided, single submitter. Criteria: GeneDx Variant Classification Process June 2021. Collection method: clinical testing. Allele origin: germline. Affected: yes.
Comment: Not observed in large population cohorts (Lek et al., 2016); In silico analysis, which includes protein predictors and evolutionary conservation, supports a deleterious effect; Has not been previously published as pathogenic or benign to our knowledge